The following is an entry in ClinVar:

ClinVar aggregate classification (germline): Uncertain significance. Review status: criteria provided, multiple submitters, no conflicts (2 of 4 stars). 2 submissions from 2 submitters: Uncertain significance (2). Last evaluated 2025-05-19.

Conditions:
DYNC2H1-related disorder. Also called: DYNC2H1-related condition; DYNC2H1-related disorders. Identifiers: MedGen CN378770.

Allele frequency attached by ClinVar (database versions not stated): TOPMed below 0.00001; gnomAD 0.00001; gnomAD exomes 0.00001 and 0.00002; ExAC 0.00002; ESP Exome Variant Server 0.00008.
gnomAD v4.1: 33 of 1,613,066 alleles (0.002%); highest among the groups gnomAD compares: Non-Finnish European, 0.0028%; no homozygotes.

Submissions (2):

PreventionGenetics, part of Exact Sciences
Classification: Uncertain significance for DYNC2H1-related condition. Last evaluated: 2025-05-19. Review status: criteria provided, single submitter. Criteria: ACMG Guidelines, 2015. Collection method: clinical testing. Allele origin: germline.
Comment: The DYNC2H1 c.9034G>A variant is predicted to result in the amino acid substitution p.Val3012Ile. To our knowledge, this variant has not been reported in the literature. This variant is reported in 0.0027% of alleles in individuals of European (Non-Finnish) descent in gnomAD. At this time, the clinical significance of this variant is uncertain due to the absence of conclusive functional and genetic evidence.

Eurofins Ntd Llc (ga)
Classification: Uncertain significance. Last evaluated: 2015-06-03. Review status: criteria provided, single submitter. Criteria: EGL Classification Definitions 2015. Collection method: clinical testing. Allele origin: germline. Observed: 1 variant allele, 1 heterozygote.

NM_001377.3(DYNC2H1):c.9034G>A (p.Val3012Ile)

Gene: DYNC2H1 (dynein cytoplasmic 2 heavy chain 1; plus strand). Cytogenetic location: 11q22.3.
Variant type: single nucleotide variant.
Coding change: c.9034G>A on transcript NM_001377.3 (MANE Select); coding-DNA position 9034, G replaced by A.
Protein change: p.Val3012Ile; replaces valine 3012 with isoleucine.
Molecular consequence: missense variant.
Genome position (GRCh38, 1-based): chr11:103,220,710, G>A. VCF-style: chr11-103220710-G-A. GRCh37 (hg19) VCF-style: chr11-103091439-G-A.
Other names: c.9034G>A, p.Val3012Ile (NM_001080463.2); c.9034G>A (NM_001080463.1); short protein forms V3012I.
Identifiers: ClinVar variation 197999 (VCV000197999.6), dbSNP rs371982886, ClinGen allele CA246456.